The following is an entry in ClinVar:

NM_002519.3(NPAT):c.2888C>T (p.Thr963Ile)

Gene: NPAT (nuclear protein, coactivator of histone transcription; minus strand). Cytogenetic location: 11q22.3.
Variant type: single nucleotide variant.
Coding change: c.2888C>T on transcript NM_002519.3 (MANE Select); coding-DNA position 2888, C replaced by T.
Protein change: p.Thr963Ile; replaces threonine 963 with isoleucine.
Molecular consequence: missense variant.
Genome position (GRCh38, 1-based): chr11:108,169,941, G>A on the plus strand (C>T on the coding strand, the complement: NPAT is on the minus strand). VCF-style: chr11-108169941-G-A. GRCh37 (hg19) VCF-style: chr11-108040668-G-A.
Other names: c.2888C>T, p.Thr963Ile (NM_001321307.1); short protein forms T963I.
Identifiers: ClinVar variation 2496700 (VCV002496700.2), dbSNP rs769841053, ClinGen allele CA6263715.

ClinVar aggregate classification (germline): Uncertain significance (1 of 4 stars; one submission).

Allele frequency attached by ClinVar (database versions not stated): ExAC 0.00001; gnomAD 0.00001; TOPMed 0.00002.
gnomAD v4.1: 54 of 1,613,114 alleles (0.0033%); highest among the groups gnomAD compares: Non-Finnish European, 0.0046%; no homozygotes.

Submission:

Ambry Genetics
Classification: Uncertain significance. Last evaluated: 2022-11-19. Review status: criteria provided, single submitter. Criteria: Ambry Variant Classification Scheme 2023. Collection method: clinical testing. Allele origin: germline.
Comment: The p.T963I variant (also known as c.2888C>T), located in coding exon 14 of the NPAT gene, results from a C to T substitution at nucleotide position 2888. The threonine at codon 963 is replaced by isoleucine, an amino acid with similar properties. This amino acid position is conserved. In addition, this alteration is predicted to be tolerated by in silico analysis. Since supporting evidence is limited at this time, the clinical significance of this alteration remains unclear.